The following is an entry in ClinVar:

NM_001379500.1(COL18A1):c.2233G>A (p.Gly745Ser)

Gene: COL18A1 (collagen type XVIII alpha 1 chain; plus strand). Cytogenetic location: 21q22.3.
Variant type: single nucleotide variant.
Coding change: c.2233G>A on transcript NM_001379500.1 (MANE Select); coding-DNA position 2233, G replaced by A.
Protein change: p.Gly745Ser; replaces glycine 745 with serine.
Molecular consequence: missense variant.
Genome position (GRCh38, 1-based): chr21:45,493,181, G>A. VCF-style: chr21-45493181-G-A. GRCh37 (hg19) VCF-style: chr21-46913095-G-A.
Other names: c.2773G>A, p.Gly925Ser (NM_030582.4); c.3478G>A, p.Gly1160Ser (NM_130444.3); c.2773G>A (NM_030582.3); short protein forms G745S, G1160S, G925S.
Identifiers: ClinVar variation 1472680 (VCV001472680.4), dbSNP rs908066000, ClinGen allele CA321919391.

ClinVar aggregate classification (germline): Uncertain significance. Review status: criteria provided, multiple submitters, no conflicts (2 of 4 stars). 2 submissions from 2 submitters: Uncertain significance (2). Last evaluated 2026-08-11.

Conditions:
COL18A1-related disorder. Also called: COL18A1-related condition; COL18A1-related disorders.

Allele frequency attached by ClinVar (database versions not stated): TOPMed below 0.00001; gnomAD exomes 0.00001.
gnomAD v4.1: 5 of 1,561,266 alleles (0.00032%); highest among the groups gnomAD compares: Non-Finnish European, 0.00043%; no homozygotes.

Submissions (2):

PreventionGenetics, part of Exact Sciences
Classification: Uncertain significance for COL18A1-related condition. Last evaluated: 2026-08-11. Review status: criteria provided, single submitter. Criteria: ACMG Guidelines, 2015. Collection method: clinical testing. Allele origin: germline.
Comment: The COL18A1 c.2773G>A variant is predicted to result in the amino acid substitution p.Gly925Ser. To our knowledge, this variant has not been reported in the literature. This variant is reported in 0.0015% of alleles in individuals of European (Non-Finnish) descent in gnomAD. At this time, the clinical significance of this variant is uncertain due to the absence of conclusive functional and genetic evidence.

Labcorp Genetics (formerly Invitae), Labcorp
Classification: Uncertain significance. Last evaluated: 2024-03-25. Review status: criteria provided, single submitter. Criteria: Invitae Variant Classification Sherloc (09022015). Collection method: clinical testing. Allele origin: germline.
Comment: This sequence change replaces glycine, which is neutral and non-polar, with serine, which is neutral and polar, at codon 745 of the COL18A1 protein (p.Gly745Ser). This variant is not present in population databases (gnomAD no frequency). This variant has not been reported in the literature in individuals affected with COL18A1-related conditions. ClinVar contains an entry for this variant (Variation ID: 1472680). Experimental studies and prediction algorithms are not available or were not evaluated, and the functional significance of this variant is currently unknown. In summary, the available evidence is currently insufficient to determine the role of this variant in disease. Therefore, it has been classified as a Variant of Uncertain Significance.